The following is an entry in ClinVar:

ClinVar aggregate classification (germline): Uncertain significance. Review status: criteria provided, multiple submitters, no conflicts (2 of 4 stars). 2 submissions from 2 submitters: Uncertain significance (2). Last evaluated 2025-08-25.

Conditions:
Hereditary cancer-predisposing syndrome. Also called: Hereditary Cancer Syndrome; Hereditary neoplastic syndrome; Tumor predisposition; Neoplastic Syndromes, Hereditary. Identifiers: Orphanet 140162, MedGen C0027672, MeSH D009386, MONDO:0015356.

Submissions (2):

Labcorp Genetics (formerly Invitae), Labcorp
Classification: Uncertain significance. Last evaluated: 2025-08-25. Review status: criteria provided, single submitter. Criteria: Invitae Variant Classification Sherloc (09022015). Collection method: clinical testing. Allele origin: germline.
Comment: This sequence change replaces glutamine, which is neutral and polar, with arginine, which is basic and polar, at codon 138 of the HOXB13 protein (p.Gln138Arg). This variant is not present in population databases (gnomAD no frequency). This variant has not been reported in the literature in individuals affected with HOXB13-related conditions. ClinVar contains an entry for this variant (Variation ID: 3526298). Invitae Evidence Modeling of protein sequence and biophysical properties (such as structural, functional, and spatial information, amino acid conservation, physicochemical variation, residue mobility, and thermodynamic stability) indicates that this missense variant is not expected to disrupt HOXB13 protein function with a negative predictive value of 80%. In summary, the available evidence is currently insufficient to determine the role of this variant in disease. Therefore, it has been classified as a Variant of Uncertain Significance.

Ambry Genetics
Classification: Uncertain significance for Hereditary cancer-predisposing syndrome. Last evaluated: 2024-09-12. Review status: criteria provided, single submitter. Criteria: Ambry Variant Classification Scheme 2023. Collection method: clinical testing. Allele origin: germline.
Comment: The p.Q138R variant (also known as c.413A>G), located in coding exon 1 of the HOXB13 gene, results from an A to G substitution at nucleotide position 413. The glutamine at codon 138 is replaced by arginine, an amino acid with highly similar properties. This amino acid position is conserved. In addition, this alteration is predicted to be deleterious by in silico analysis. Based on the available evidence, the clinical significance of this variant remains unclear.

NM_006361.6(HOXB13):c.413A>G (p.Gln138Arg)

Gene: HOXB13 (homeobox B13; minus strand). Cytogenetic location: 17q21.32.
Variant type: single nucleotide variant.
Coding change: c.413A>G on transcript NM_006361.6 (MANE Select); coding-DNA position 413, A replaced by G.
Protein change: p.Gln138Arg; replaces glutamine 138 with arginine.
Molecular consequence: missense variant.
Genome position (GRCh38, 1-based): chr17:48,728,181, T>C on the plus strand (A>G on the coding strand, the complement: HOXB13 is on the minus strand). VCF-style: chr17-48728181-T-C. GRCh37 (hg19) VCF-style: chr17-46805543-T-C.
Other names: short protein forms Q138R.
Identifiers: ClinVar variation 3526298 (VCV003526298.2).
Genomic context (GRCh38, chr17:48,728,181, plus strand): 5'-GGTTCTCCAGGAGCACCCAGAGTCTGCACCACAGACACGTCCAGGTAACTGGCCATAGGC[T>C]GGTAGGTTCCCGGATATCCCGGATAGAAGGCAAACTCAGTGGGGCGGCTGGGGTACTCTT-3'
Protein context (NP_006352.2, residues 128-148): AFYPGYPGTY[Gln138Arg]PMASYLDVSV